The following is an entry in ClinVar:

NM_007194.4(CHEK2):c.1048C>A (p.Pro350Thr)

Gene: CHEK2 (checkpoint kinase 2; minus strand). Cytogenetic location: 22q12.1.
Variant type: single nucleotide variant.
Coding change: c.1048C>A on transcript NM_007194.4 (MANE Select); coding-DNA position 1048, C replaced by A.
Protein change: p.Pro350Thr; replaces proline 350 with threonine.
Molecular consequence: missense variant. On other transcripts: intron variant (3).
Genome position (GRCh38, 1-based): chr22:28,696,948, G>T on the plus strand (C>A on the coding strand, the complement: CHEK2 is on the minus strand). VCF-style: chr22-28696948-G-T. GRCh37 (hg19) VCF-style: chr22-29092936-G-T.
Other names: c.1177C>A, p.Pro393Thr (NM_001005735.3); c.385C>A, p.Pro129Thr (NM_001257387.3, NM_001437942.1); c.847C>A, p.Pro283Thr (NM_001349956.3); c.1141C>A, p.Pro381Thr (NM_001438293.1); c.1009-1075C>A (NM_145862.3); c.1102-1075C>A (NM_001438295.1); c.1138-1075C>A (NM_001438294.1); short protein forms P350T, P129T, P283T, P393T, P381T.
Identifiers: ClinVar variation 3696462 (VCV003696462.3).

ClinVar aggregate classification (germline): Uncertain significance. Review status: criteria provided, multiple submitters, no conflicts (2 of 4 stars). 2 submissions from 2 submitters: Uncertain significance (2). Last evaluated 2026-06-05.

Conditions:
Familial cancer of breast. Also called: BREAST CANCER, FAMILIAL; Hereditary breast cancer; hereditary breast carcinoma. Identifiers: Orphanet 227535, MedGen C0346153, MONDO:0016419, OMIM 114480. Disease mechanism: loss of function.

Submissions (2):

Women's Health and Genetics/Laboratory Corporation of America, LabCorp
Classification: Uncertain significance. Last evaluated: 2026-06-05. Review status: criteria provided, single submitter. Criteria: LabCorp Variant Classification Summary - May 2015. Collection method: clinical testing. Allele origin: germline.

Labcorp Genetics (formerly Invitae), Labcorp
Classification: Uncertain significance for Familial cancer of breast. Last evaluated: 2024-12-18. Review status: criteria provided, single submitter. Criteria: Invitae Variant Classification Sherloc (09022015). Collection method: clinical testing. Allele origin: germline.
Comment: This sequence change replaces proline, which is neutral and non-polar, with threonine, which is neutral and polar, at codon 350 of the CHEK2 protein (p.Pro350Thr). This variant is not present in population databases (gnomAD no frequency). This variant has not been reported in the literature in individuals affected with CHEK2-related conditions. An algorithm developed to predict the effect of missense changes on protein structure and function (PolyPhen-2) suggests that this variant is likely to be disruptive. In summary, the available evidence is currently insufficient to determine the role of this variant in disease. Therefore, it has been classified as a Variant of Uncertain Significance.